The following is an entry in ClinVar:

ClinVar aggregate classification (germline): Uncertain significance. Review status: criteria provided, multiple submitters, no conflicts (2 of 4 stars). 2 submissions from 2 submitters: Uncertain significance (2). Last evaluated 2021-12-27.

Conditions:
Centromeric instability of chromosomes 1,9 and 16 and immunodeficiency (ICF1). Also called: Immunodeficiency-centromeric instability-facial anomalies; IMMUNODEFICIENCY SYNDROME, VARIABLE; IMMUNE DEFICIENCY, VARIABLE, WITH CENTROMERIC INSTABILITY OF CHROMOSOMES 1, 9, AND 16; CENTROMERIC INSTABILITY, IMMUNODEFICIENCY SYNDROME. Identifiers: Orphanet 2268, MedGen C0398788, MONDO:0000133.
Inborn genetic diseases. Identifiers: MedGen C0950123, MeSH D030342.

Allele frequency attached by ClinVar (database versions not stated): gnomAD exomes 0.00001; gnomAD 0.00003; TOPMed 0.00005.
gnomAD v4.1: 7 of 1,613,780 alleles (0.00043%); highest among the groups gnomAD compares: Admixed American, 0.012%; no homozygotes.

Submissions (2):

Labcorp Genetics (formerly Invitae), Labcorp
Classification: Uncertain significance for Centromeric instability of chromosomes 1,9 and 16 and immunodeficiency. Last evaluated: 2021-12-27. Review status: criteria provided, single submitter. Criteria: Invitae Variant Classification Sherloc (09022015). Collection method: clinical testing. Allele origin: germline.
Comment: This sequence change replaces glycine, which is neutral and non-polar, with valine, which is neutral and non-polar, at codon 555 of the DNMT3B protein (p.Gly555Val). The frequency data for this variant in the population databases is considered unreliable, as metrics indicate poor data quality at this position in the gnomAD database. This variant has not been reported in the literature in individuals affected with DNMT3B-related conditions. Algorithms developed to predict the effect of missense changes on protein structure and function are either unavailable or do not agree on the potential impact of this missense change (SIFT: "Deleterious"; PolyPhen-2: "Benign"; Align-GVGD: "Class C15"). Algorithms developed to predict the effect of sequence changes on RNA splicing suggest that this variant may create or strengthen a splice site. In summary, the available evidence is currently insufficient to determine the role of this variant in disease. Therefore, it has been classified as a Variant of Uncertain Significance.

Ambry Genetics
Classification: Uncertain significance for Inborn genetic diseases. Last evaluated: 2021-08-16. Review status: criteria provided, single submitter. Criteria: Ambry Variant Classification Scheme 2023. Collection method: clinical testing. Allele origin: germline.

NM_006892.4(DNMT3B):c.1664G>T (p.Gly555Val)

Genes: DNMT3B (DNA methyltransferase 3 beta; plus strand), LOC126863014 (CDK7 strongly-dependent group 2 enhancer GRCh37_chr20:31385992-31387191; plus strand). Cytogenetic location: 20q11.21.
Variant type: single nucleotide variant.
Coding change: c.1664G>T on transcript NM_006892.4 (MANE Select); coding-DNA position 1664, G replaced by T.
Protein change: p.Gly555Val; replaces glycine 555 with valine.
Molecular consequence: missense variant.
Genome position (GRCh38, 1-based): chr20:32,798,633, G>T. VCF-style: chr20-32798633-G-T. GRCh37 (hg19) VCF-style: chr20-31386439-G-T.
Other names: c.1478G>T, p.Gly493Val (NM_001207055.2); c.1376G>T, p.Gly459Val (NM_001207056.2); c.1604G>T, p.Gly535Val (NM_175848.2, NM_175849.2); c.1640G>T, p.Gly547Val (NM_175850.3); short protein forms G547V, G555V, G459V, G493V, G535V.
Identifiers: ClinVar variation 1943203 (VCV001943203.3), dbSNP rs1424695736, ClinGen allele CA408587375.